The following is an entry in ClinVar:

ClinVar aggregate classification (germline): Uncertain significance (1 of 4 stars; one submission).

Conditions:
Hereditary cancer-predisposing syndrome. Also called: Neoplastic Syndromes, Hereditary; Tumor predisposition; Hereditary Cancer Syndrome; Hereditary neoplastic syndrome. Identifiers: Orphanet 140162, MedGen C0027672, MeSH D009386, MONDO:0015356.

Submission:

Color Diagnostics, LLC DBA Color Health
Classification: Uncertain significance for Hereditary cancer-predisposing syndrome. Last evaluated: 2023-12-04. Review status: criteria provided, single submitter. Criteria: ACMG Guidelines, 2015. Collection method: clinical testing. Allele origin: germline.
Comment: This missense variant replaces proline with arginine at codon 816 of the MSH6 protein. Computational prediction suggests that this variant may have deleterious impact on protein structure and function (internally defined REVEL score threshold >= 0.7, PMID: 27666373). To our knowledge, functional studies have not been reported for this variant. This variant has not been reported in individuals affected with MSH6-related disorders in the literature. This variant has not been identified in the general population by the Genome Aggregation Database (gnomAD). The available evidence is insufficient to determine the role of this variant in disease conclusively. Therefore, this variant is classified as a Variant of Uncertain Significance.

NM_000179.3(MSH6):c.2447C>G (p.Pro816Arg)

Gene: MSH6 (mutS homolog 6; plus strand). Cytogenetic location: 2p16.3.
Variant type: single nucleotide variant.
Coding change: c.2447C>G on transcript NM_000179.3 (MANE Select); coding-DNA position 2447, C replaced by G.
Protein change: p.Pro816Arg; replaces proline 816 with arginine.
Molecular consequence: missense variant.
Genome position (GRCh38, 1-based): chr2:47,800,430, C>G. VCF-style: chr2-47800430-C-G. GRCh37 (hg19) VCF-style: chr2-48027569-C-G.
Other names: c.2057C>G, p.Pro686Arg (NM_001281492.2); c.1541C>G, p.Pro514Arg (NM_001281493.2, NM_001281494.2); short protein forms P514R, P686R, P816R.
Identifiers: ClinVar variation 924494 (VCV000924494.4), dbSNP rs1553413804, ClinGen allele CA346754062.